The following is an entry in ClinVar:

ClinVar aggregate classification (germline): Likely benign (1 of 4 stars; one submission).

Submission:

CeGaT Center for Human Genetics Tuebingen
Classification: Likely benign. Last evaluated: 2024-03-01. Review status: criteria provided, single submitter. Criteria: CeGaT Center For Human Genetics Tuebingen Variant Classification Criteria Version 2. Collection method: clinical testing. Allele origin: germline. Affected: yes. Observed: 1 variant allele.
Comment: SPRING1: PM2:Supporting, BP4, BP7

NM_024738.4(SPRING1):c.588A>G (p.Gly196=)

Gene: SPRING1 (SREBF pathway regulator in golgi 1; minus strand). Cytogenetic location: 12q24.22.
Variant type: single nucleotide variant.
Coding change: c.588A>G on transcript NM_024738.4 (MANE Select); coding-DNA position 588, A replaced by G.
Protein change: p.Gly196=; no amino-acid change (glycine 196 retained).
Molecular consequence: synonymous variant.
Genome position (GRCh38, 1-based): chr12:116,717,840, T>C on the plus strand (A>G on the coding strand, the complement: SPRING1 is on the minus strand). VCF-style: chr12-116717840-T-C. GRCh37 (hg19) VCF-style: chr12-117155645-T-C.
Other names: c.498A>G, p.Gly166= (NM_001353623.2); c.279A>G, p.Gly93= (NM_001353624.2); c.165A>G, p.Gly55= (NM_001353625.2).
Identifiers: ClinVar variation 3234399 (VCV003234399.20), dbSNP rs2500087700, ClinGen allele CA482027508.